The following is an entry in ClinVar:

ClinVar aggregate classification (germline): Conflicting classifications of pathogenicity. Review status: criteria provided, conflicting classifications (1 of 4 stars). 4 submissions from 4 submitters: Uncertain significance (3); Likely benign (1). Last evaluated 2025-08-23.

Conditions:
Hereditary cancer-predisposing syndrome. Also called: Hereditary Cancer Syndrome; Neoplastic Syndromes, Hereditary; Hereditary neoplastic syndrome; Tumor predisposition. Identifiers: Orphanet 140162, MedGen C0027672, MeSH D009386, MONDO:0015356.
Hereditary breast ovarian cancer syndrome. Also called: BRCA1- and BRCA2-Associated Hereditary Breast and Ovarian Cancer; Breast and ovarian cancer; Hereditary breast and ovarian cancer syndrome (HBOC); Hereditary breast and ovarian cancer syndrome; Hereditary breast and ovarian cancer; Hereditary breast and/or ovarian cancer syndrome. Identifiers: Orphanet 145, MedGen C0677776, MeSH D061325, MONDO:0003582. Disease mechanism: loss of function.

gnomAD v4.1: 2 of 1,613,776 alleles (0.00012%); highest among the groups gnomAD compares: East Asian, 0.0045%; no homozygotes.

Submissions (4):

Ambry Genetics
Classification: Uncertain significance for Hereditary cancer-predisposing syndrome. Last evaluated: 2025-08-23. Review status: criteria provided, single submitter. Criteria: Ambry Variant Classification Scheme 2023. Collection method: clinical testing. Allele origin: germline.
Comment: The p.S1914I variant (also known as c.5741G>T), located in coding exon 10 of the BRCA2 gene, results from a G to T substitution at nucleotide position 5741. The serine at codon 1914 is replaced by isoleucine, an amino acid with dissimilar properties. This amino acid position is not well conserved in available vertebrate species. In addition, this alteration is predicted to be tolerated by in silico analysis. Since supporting evidence is limited at this time, the clinical significance of this alteration remains unclear.

Labcorp Genetics (formerly Invitae), Labcorp
Classification: Uncertain significance for Hereditary breast ovarian cancer syndrome. Last evaluated: 2023-12-28. Review status: criteria provided, single submitter. Criteria: Invitae Variant Classification Sherloc (09022015). Collection method: clinical testing. Allele origin: germline.
Comment: This sequence change replaces serine, which is neutral and polar, with isoleucine, which is neutral and non-polar, at codon 1914 of the BRCA2 protein (p.Ser1914Ile). This variant is present in population databases (no rsID available, gnomAD 0.006%). This missense change has been observed in individual(s) with breast cancer (PMID: 30287823). ClinVar contains an entry for this variant (Variation ID: 847850). Advanced modeling of protein sequence and biophysical properties (such as structural, functional, and spatial information, amino acid conservation, physicochemical variation, residue mobility, and thermodynamic stability) performed at Invitae indicates that this missense variant is not expected to disrupt BRCA2 protein function with a negative predictive value of 95%. In summary, the available evidence is currently insufficient to determine the role of this variant in disease. Therefore, it has been classified as a Variant of Uncertain Significance.

University of Washington Department of Laboratory Medicine, University of Washington
Classification: Likely benign for Hereditary cancer-predisposing syndrome. Last evaluated: 2023-03-23. Review status: criteria provided, single submitter. Criteria: Dines et al. (Genet Med. 2020). Collection method: curation. Allele origin: germline.
Comment: Missense variant in a coldspot region where missense variants are very unlikely to be pathogenic (PMID:31911673).

BRCA2 exon 11 coldspot. Reclassification based on statistical prior probability.

Blueprint Genetics
Classification: Uncertain significance. Last evaluated: 2019-12-31. Review status: criteria provided, single submitter. Criteria: ACMG Guidelines, 2015. Collection method: clinical testing. Allele origin: germline.

Literature cited by the submitters: PubMed 30287823 (cited by Labcorp Genetics (formerly Invitae), Labcorp).

NM_000059.4(BRCA2):c.5741G>T (p.Ser1914Ile)

Gene: BRCA2 (BRCA2 DNA repair associated; plus strand). Cytogenetic location: 13q13.1.
Variant type: single nucleotide variant.
Coding change: c.5741G>T on transcript NM_000059.4 (MANE Select); coding-DNA position 5741, G replaced by T.
Protein change: p.Ser1914Ile; replaces serine 1914 with isoleucine.
Molecular consequence: missense variant.
Genome position (GRCh38, 1-based): chr13:32,340,096, G>T. VCF-style: chr13-32340096-G-T. GRCh37 (hg19) VCF-style: chr13-32914233-G-T.
Other names: short protein forms S1914I.
Identifiers: ClinVar variation 847850 (VCV000847850.13), dbSNP rs80358801, ClinGen allele CA387786970.